The following is an entry in ClinVar:

NM_004448.4(ERBB2):c.3458G>A (p.Arg1153Gln)

Gene: ERBB2 (erb-b2 receptor tyrosine kinase 2; plus strand). Cytogenetic location: 17q12.
Variant type: single nucleotide variant.
Coding change: c.3458G>A on transcript NM_004448.4 (MANE Select); coding-DNA position 3458, G replaced by A.
Protein change: p.Arg1153Gln; replaces arginine 1153 with glutamine.
Molecular consequence: missense variant. On other transcripts: non-coding transcript variant (1), 3 prime UTR variant (2).
Genome position (GRCh38, 1-based): chr17:39,727,734, G>A. VCF-style: chr17-39727734-G-A. GRCh37 (hg19) VCF-style: chr17-37883987-G-A.
Other names: c.3368G>A, p.Arg1123Gln (NM_001005862.3, NM_001382782.1, NM_001382783.1); c.3413G>A, p.Arg1138Gln (NM_001289936.2); c.*37G>A (NM_001289937.2, NM_001382803.1); c.3575G>A, p.Arg1192Gln (NM_001382784.1); c.3560G>A, p.Arg1187Gln (NM_001382785.1); c.3539G>A, p.Arg1180Gln (NM_001382786.1); c.3533G>A, p.Arg1178Gln (NM_001382787.1); c.3488G>A, p.Arg1163Gln (NM_001382788.1); and 16 more; short protein forms R1101Q, R1180Q, R1187Q, R1192Q, R1123Q, R1139Q, R1150Q, R1163Q.
Identifiers: ClinVar variation 1433960 (VCV001433960.6), dbSNP rs758365405, ClinGen allele CA8534566.

ClinVar aggregate classification (germline): Uncertain significance (1 of 4 stars; one submission).

Allele frequency attached by ClinVar (database versions not stated): gnomAD exomes below 0.00001; ExAC 0.00001.
gnomAD v4.1: 39 of 1,584,964 alleles (0.0025%); highest among the groups gnomAD compares: Middle Eastern, 0.017%; no homozygotes.

Submission:

Labcorp Genetics (formerly Invitae), Labcorp
Classification: Uncertain significance. Last evaluated: 2022-02-27. Review status: criteria provided, single submitter. Criteria: Invitae Variant Classification Sherloc (09022015). Collection method: clinical testing. Allele origin: germline.
Comment: Algorithms developed to predict the effect of missense changes on protein structure and function output the following: SIFT: "Tolerated"; PolyPhen-2: "Benign"; Align-GVGD: "Class C0". The glutamine amino acid residue is found in multiple mammalian species, which suggests that this missense change does not adversely affect protein function. In summary, the available evidence is currently insufficient to determine the role of this variant in disease. Therefore, it has been classified as a Variant of Uncertain Significance. This missense change has been observed in individual(s) with breast cancer (PMID: 29072371). This variant is present in population databases (rs758365405, gnomAD 0.005%). This sequence change replaces arginine, which is basic and polar, with glutamine, which is neutral and polar, at codon 1153 of the ERBB2 protein (p.Arg1153Gln).

Literature cited by the submitters: PubMed 29072371.